The following is an entry in ClinVar:

ClinVar aggregate classification (germline): Likely benign. Review status: criteria provided, single submitter (1 of 4 stars). 2 submissions from 2 submitters: Likely benign (1). 1 of the submissions does not count toward it. Last evaluated 2019-12-31.

Conditions:
NEGR1-related disorder. Also called: NEGR1-related condition.

Allele frequency attached by ClinVar (database versions not stated): gnomAD exomes 0.00008 and 0.00020; ExAC 0.00023; ESP Exome Variant Server 0.00054; TOPMed 0.00083; gnomAD 0.00084 and 0.00091; 1000 Genomes Project 30x 0.00094; 1000 Genomes Project 0.00100.
gnomAD v4.1: 253 of 1,611,968 alleles (0.016%); highest among the groups gnomAD compares: African/African-American, 0.31%; 1 homozygote.

Submissions (2):

Labcorp Genetics (formerly Invitae), Labcorp
Classification: Likely benign. Last evaluated: 2019-12-31. Review status: criteria provided, single submitter. Criteria: Invitae Variant Classification Sherloc (09022015). Collection method: clinical testing. Allele origin: germline.

PreventionGenetics, part of Exact Sciences
Classification: Likely benign for NEGR1-related condition. Last evaluated: 2023-06-06. Review status: no assertion criteria provided. Collection method: clinical testing. Allele origin: germline. Not counted in ClinVar's aggregate classification.
Comment: This variant is classified as likely benign based on ACMG/AMP sequence variant interpretation guidelines (Richards et al. 2015 PMID: 25741868, with internal and published modifications).

NM_173808.3(NEGR1):c.830G>A (p.Ser277Asn)

Gene: NEGR1 (neuronal growth regulator 1; minus strand). Cytogenetic location: 1p31.1.
Variant type: single nucleotide variant.
Coding change: c.830G>A on transcript NM_173808.3 (MANE Select); coding-DNA position 830, G replaced by A.
Protein change: p.Ser277Asn; replaces serine 277 with asparagine.
Molecular consequence: missense variant.
Genome position (GRCh38, 1-based): chr1:71,592,927, C>T on the plus strand (G>A on the coding strand, the complement: NEGR1 is on the minus strand). VCF-style: chr1-71592927-C-T. GRCh37 (hg19) VCF-style: chr1-72058610-C-T.
Other names: short protein forms S277N.
Identifiers: ClinVar variation 724718 (VCV000724718.6), dbSNP rs138963902, ClinGen allele CA907392.